The following is an entry in ClinVar:

NM_001042545.2(LTBP4):c.3205C>T (p.Arg1069Ter)

Gene: LTBP4 (latent transforming growth factor beta binding protein 4; plus strand). Cytogenetic location: 19q13.2.
Variant type: single nucleotide variant.
Coding change: c.3205C>T on transcript NM_001042545.2 (MANE Select); coding-DNA position 3205, C replaced by T.
Protein change: p.Arg1069Ter; replaces arginine 1069 with a stop codon.
Molecular consequence: nonsense.
Genome position (GRCh38, 1-based): chr19:40,619,481, C>T. VCF-style: chr19-40619481-C-T. GRCh37 (hg19) VCF-style: chr19-41125386-C-T.
Other names: c.3406C>T, p.Arg1136Ter (NM_001042544.1); c.3295C>T, p.Arg1099Ter (NM_003573.2); short protein forms R1136*, R1069*, R1099*.
Identifiers: ClinVar variation 3696513 (VCV003696513.2).

ClinVar aggregate classification (germline): Pathogenic (1 of 4 stars; one submission).

Submission:

Labcorp Genetics (formerly Invitae), Labcorp
Classification: Pathogenic. Last evaluated: 2024-06-13. Review status: criteria provided, single submitter. Criteria: Invitae Variant Classification Sherloc (09022015). Collection method: clinical testing. Allele origin: germline.
Comment: This sequence change creates a premature translational stop signal (p.Arg1099*) in the LTBP4 gene. It is expected to result in an absent or disrupted protein product. Loss-of-function variants in LTBP4 are known to be pathogenic (PMID: 19836010, 22829427). This variant is not present in population databases (gnomAD no frequency). This variant has not been reported in the literature in individuals affected with LTBP4-related conditions. For these reasons, this variant has been classified as Pathogenic.

Literature cited by the submitters: PubMed 19836010; PubMed 22829427.